The following is an entry in ClinVar:

ClinVar aggregate classification (germline): Uncertain significance (1 of 4 stars; one submission).

Allele frequency attached by ClinVar (database versions not stated): gnomAD exomes below 0.00001.
gnomAD v4.1: 1 of 1,613,712 alleles (0.000062%); highest among the groups gnomAD compares: Non-Finnish European, 0.000085%; no homozygotes.

Submission:

Women's Health and Genetics/Laboratory Corporation of America, LabCorp
Classification: Uncertain significance. Last evaluated: 2022-10-13. Review status: criteria provided, single submitter. Criteria: LabCorp Variant Classification Summary - May 2015. Collection method: clinical testing. Allele origin: germline.
Comment: Variant summary: TRRAP c.3407C>T (p.Pro1136Leu) results in a non-conservative amino acid change in the encoded protein sequence. Four of five in-silico tools predict a damaging effect of the variant on protein function. The variant was absent in 251428 control chromosomes. The available data on variant occurrences in the general population are insufficient to allow any conclusion about variant significance. To our knowledge, no occurrence of c.3407C>T in individuals affected with Developmental Delay With Or Without Dysmorphic Facies And Autism and no experimental evidence demonstrating its impact on protein function have been reported. No clinical diagnostic laboratories have submitted clinical-significance assessments for this variant to ClinVar after 2014. Based on the evidence outlined above, the variant was classified as uncertain significance.

NM_001375524.1(TRRAP):c.3407C>T (p.Pro1136Leu)

Gene: TRRAP (transformation/transcription domain associated protein; plus strand). Cytogenetic location: 7q22.1.
Variant type: single nucleotide variant.
Coding change: c.3407C>T on transcript NM_001375524.1 (MANE Select); coding-DNA position 3407, C replaced by T.
Protein change: p.Pro1136Leu; replaces proline 1136 with leucine.
Molecular consequence: missense variant.
Genome position (GRCh38, 1-based): chr7:98,930,646, C>T. VCF-style: chr7-98930646-C-T. GRCh37 (hg19) VCF-style: chr7-98528269-C-T.
Other names: c.3407C>T, p.Pro1136Leu (NM_001244580.2, NM_003496.4); short protein forms P1136L.
Identifiers: ClinVar variation 1723310 (VCV001723310.1), dbSNP rs775427533, ClinGen allele CA368299461.